The following is an entry in ClinVar:

NM_000179.3(MSH6):c.693dup (p.Gln232fs)

Gene: MSH6 (mutS homolog 6; plus strand). Cytogenetic location: 2p16.3.
Variant type: Duplication.
Coding change: c.693dup on transcript NM_000179.3 (MANE Select); coding-DNA position 693, one base duplicated (A; older notation c.693dupA).
Protein change: p.Gln232fs; shifts the reading frame from glutamine 232.
Molecular consequence: frameshift variant. On other transcripts: 5 prime UTR variant (9), non-coding transcript variant (4), intron variant (1).
Genome position (GRCh38, 1-based): chr2:47,798,676, A duplicated. VCF-style (leftmost placement, unchanged base first): chr2-47798675-T-TA. GRCh37 (hg19) VCF-style: chr2-48025814-T-TA.
Other names: c.303dup, p.Gln102fs (NM_001281492.2); c.-214dup (NM_001281493.2, NM_001281494.2, NM_001406811.1 and 6 more transcripts); c.789dup, p.Gln264fs (NM_001406795.1, NM_001406802.1); c.693dup, p.Gln232fs (NM_001406796.1, NM_001406798.1, NM_001406800.1 and 4 more transcripts); c.396dup, p.Gln133fs (NM_001406797.1, NM_001406801.1, NM_001406805.1 and 10 more transcripts); c.168dup, p.Gln57fs (NM_001406799.1, NM_001406806.1, NM_001406807.1); c.615dup, p.Gln206fs (NM_001406804.1); c.699dup, p.Gln234fs (NM_001406813.1); and 3 more; short protein forms Q102fs, Q133fs, Q176fs, Q206fs, Q232fs, Q234fs, Q264fs, Q57fs.
Identifiers: ClinVar variation 2673775 (VCV002673775.2), dbSNP rs2530566174, ClinGen allele CA2695200238.

ClinVar aggregate classification (germline): Pathogenic. Review status: criteria provided, multiple submitters, no conflicts (2 of 4 stars). 2 submissions from 2 submitters: Pathogenic (2). Last evaluated 2025-09-05.

Conditions:
Hereditary cancer-predisposing syndrome. Also called: Tumor predisposition; Hereditary neoplastic syndrome; Neoplastic Syndromes, Hereditary; Hereditary Cancer Syndrome. Identifiers: Orphanet 140162, MedGen C0027672, MeSH D009386, MONDO:0015356.
Lynch syndrome 5 (LYNCH5). Also called: Colorectal cancer, hereditary nonpolyposis, type 5; Hereditary non-polyposis colorectal cancer, type 5. Identifiers: Orphanet 144, MedGen C1833477, MONDO:0013710, OMIM 614350. Disease mechanism: loss of function.

Submissions (2):

Ambry Genetics
Classification: Pathogenic for Hereditary cancer-predisposing syndrome. Last evaluated: 2025-09-05. Review status: criteria provided, single submitter. Criteria: Ambry Variant Classification Scheme 2023. Collection method: clinical testing. Allele origin: germline.
Comment: The c.693dupA pathogenic mutation, located in coding exon 4 of the MSH6 gene, results from a duplication of A at nucleotide position 693, causing a translational frameshift with a predicted alternate stop codon (p.Q232Tfs*3). This variant is considered to be rare based on population cohorts in the Genome Aggregation Database (gnomAD). This alteration is expected to result in loss of function by premature protein truncation or nonsense-mediated mRNA decay. As such, this alteration is interpreted as a disease-causing mutation.

Myriad Genetics, Inc.
Classification: Pathogenic for Lynch syndrome 5. Last evaluated: 2023-08-10. Review status: criteria provided, single submitter. Criteria: Myriad Autosomal Dominant, Autosomal Recessive and X-Linked Classification Criteria (2023). Collection method: clinical testing. Allele origin: unknown.
Comment: This variant is considered pathogenic. This variant creates a frameshift predicted to result in premature protein truncation.